The following is an entry in ClinVar:

ClinVar aggregate classification (germline): Uncertain significance (1 of 4 stars; one submission).

Conditions:
Adams-Oliver syndrome 4 (AOS4). Identifiers: Orphanet 974, MedGen C3809092, MONDO:0014124, OMIM 615297.

Allele frequency attached by ClinVar (database versions not stated): gnomAD exomes below 0.00001.
gnomAD v4.1: 1 of 1,612,904 alleles (0.000062%); highest among the groups gnomAD compares: Admixed American, 0.0017%; no homozygotes.

Submission:

Labcorp Genetics (formerly Invitae), Labcorp
Classification: Uncertain significance for Adams-Oliver syndrome 4. Last evaluated: 2023-02-19. Review status: criteria provided, single submitter. Criteria: Invitae Variant Classification Sherloc (09022015). Collection method: clinical testing. Allele origin: germline.
Comment: In summary, the available evidence is currently insufficient to determine the role of this variant in disease. Therefore, it has been classified as a Variant of Uncertain Significance. Experimental studies and prediction algorithms are not available or were not evaluated, and the functional significance of this variant is currently unknown. ClinVar contains an entry for this variant (Variation ID: 1054717). This variant has not been reported in the literature in individuals affected with EOGT-related conditions. This variant is present in population databases (no rsID available, gnomAD 0.003%). This sequence change creates a premature translational stop signal (p.Trp384*) in the EOGT gene. While this is not anticipated to result in nonsense mediated decay, it is expected to disrupt the last 60 amino acid(s) of the EOGT protein.

NM_001278689.2(EOGT):c.1404G>A (p.Trp468Ter)

Gene: EOGT (EGF domain specific O-linked N-acetylglucosamine transferase; minus strand). Cytogenetic location: 3p14.1.
Variant type: single nucleotide variant.
Coding change: c.1404G>A on transcript NM_001278689.2 (MANE Select); coding-DNA position 1404, G replaced by A.
Protein change: p.Trp468Ter; replaces tryptophan 468 with a stop codon.
Molecular consequence: nonsense. On other transcripts: non-coding transcript variant (1).
Genome position (GRCh38, 1-based): chr3:68,978,366, C>T on the plus strand (G>A on the coding strand, the complement: EOGT is on the minus strand). VCF-style: chr3-68978366-C-T. GRCh37 (hg19) VCF-style: chr3-69027517-C-T.
Other names: c.1152G>A, p.Trp384Ter (NM_173654.3); short protein forms W384*, W468*.
Identifiers: ClinVar variation 1054717 (VCV001054717.5), dbSNP rs1179649831, ClinGen allele CA353465404.